The following is an entry in ClinVar:

ClinVar aggregate classification (germline): Likely pathogenic (1 of 4 stars; one submission).

Submission:

GeneDx
Classification: Likely pathogenic. Last evaluated: 2015-09-30. Review status: criteria provided, single submitter. Criteria: GeneDx Variant Classification (06012015). Collection method: clinical testing. Allele origin: germline. Affected: yes.
Comment: The c.1342-3T>G variant in the SCN8A gene has not been reported previously as a pathogenic variant nor as a benign variant, to our knowledge. This variant is predicted to damage the natural splice acceptor site in intron 10, and is expected to cause abnormal gene splicing. The c.1342-3T>G variant was not observed in approximately 6,000 individuals of European and African American ancestry in the NHLBI Exome Sequencing Project, indicating it is not a common benign variant in these populations. The c.1342-3T>G variant is a strong candidate for a pathogenic variant,however, the possibility it may be a rare benign variant cannot be excluded.

NM_001330260.2(SCN8A):c.1342-3T>G

Gene: SCN8A (sodium voltage-gated channel alpha subunit 8; plus strand). Cytogenetic location: 12q13.13.
Variant type: single nucleotide variant.
Coding change: c.1342-3T>G on transcript NM_001330260.2 (MANE Select); 3 bases into the intron before coding-DNA position 1342, T replaced by G.
Molecular consequence: intron variant.
Genome position (GRCh38, 1-based): chr12:51,706,419, T>G. VCF-style: chr12-51706419-T-G. GRCh37 (hg19) VCF-style: chr12-52100203-T-G.
Other names: c.1342-3T>G (NM_014191.4, NM_001177984.3, NM_001369788.1).
Identifiers: ClinVar variation 429567 (VCV000429567.2), dbSNP rs1131691459, ClinGen allele CA645369589.
Genomic context (GRCh38, chr12:51,706,419, plus strand): 5'-TGGCTTTGGGTGGCTCCAGTTAATTGCCCTGGTCTGGCTTCCCTGCTGTGGCTTCTTTCC[T>G]AGGCTGCTGCGATGGCCACTTCAGCAGGAACTGTCTCAGAAGATGCCATAGAGGAAGAAG-3'